The following is an entry in ClinVar:

ClinVar aggregate classification (germline): Uncertain significance (1 of 4 stars; one submission).

Conditions:
Cardiovascular phenotype. Identifiers: MedGen CN230736.

Submission:

Ambry Genetics
Classification: Uncertain significance for Cardiovascular phenotype. Last evaluated: 2026-04-16. Review status: criteria provided, single submitter. Criteria: Ambry Variant Classification Scheme 2023. Collection method: clinical testing. Allele origin: germline.
Comment: The p.T388P variant (also known as c.1162A>C), located in coding exon 9 of the ENG gene, results from an A to C substitution at nucleotide position 1162. The threonine at codon 388 is replaced by proline, an amino acid with highly similar properties. This amino acid position is conserved. In addition, the in silico prediction for this alteration is inconclusive. Based on the available evidence, the clinical significance of this variant remains unclear.

NM_001114753.3(ENG):c.1162A>C (p.Thr388Pro)

Genes: ENG (endoglin; minus strand), LOC102723566 (uncharacterized LOC102723566; plus strand). Cytogenetic location: 9q34.11.
Variant type: single nucleotide variant.
Coding change: c.1162A>C on transcript NM_001114753.3 (MANE Select); coding-DNA position 1162, A replaced by C.
Protein change: p.Thr388Pro; replaces threonine 388 with proline.
Molecular consequence: missense variant.
Genome position (GRCh38, 1-based): chr9:127,820,010, T>G on the plus strand (A>C on the coding strand, the complement: ENG is on the minus strand). VCF-style: chr9-127820010-T-G. GRCh37 (hg19) VCF-style: chr9-130582289-T-G.
Other names: c.1162A>C, p.Thr388Pro (NM_000118.4); c.616A>C, p.Thr206Pro (NM_001278138.2); short protein forms T206P, T388P.
Identifiers: ClinVar variation 4870445 (VCV004870445.1).